The following is an entry in ClinVar:

ClinVar aggregate classification (germline): Uncertain significance (1 of 4 stars; one submission).

Conditions:
Cardiovascular phenotype. Identifiers: MedGen CN230736.

Submission:

Ambry Genetics
Classification: Uncertain significance for Cardiovascular phenotype. Last evaluated: 2026-08-15. Review status: criteria provided, single submitter. Criteria: Ambry Variant Classification Scheme 2023. Collection method: clinical testing. Allele origin: germline.
Comment: The p.F438Y variant (also known as c.1313T>A), located in coding exon 11 of the PTPN11 gene, results from a T to A substitution at nucleotide position 1313. The phenylalanine at codon 438 is replaced by tyrosine, an amino acid with highly similar properties. This amino acid position is conserved. In addition, this alteration is predicted to be deleterious by in silico analysis. Based on the available evidence, the clinical significance of this variant remains unclear.

NM_002834.5(PTPN11):c.1313T>A (p.Phe438Tyr)

Gene: PTPN11 (protein tyrosine phosphatase non-receptor type 11; plus strand). Cytogenetic location: 12q24.13.
Variant type: single nucleotide variant.
Coding change: c.1313T>A on transcript NM_002834.5 (MANE Select); coding-DNA position 1313, T replaced by A.
Protein change: p.Phe438Tyr; replaces phenylalanine 438 with tyrosine.
Molecular consequence: missense variant.
Genome position (GRCh38, 1-based): chr12:112,486,563, T>A. VCF-style: chr12-112486563-T-A. GRCh37 (hg19) VCF-style: chr12-112924367-T-A.
Other names: c.1325T>A, p.Phe442Tyr (NM_001330437.2); c.1310T>A, p.Phe437Tyr (NM_001374625.1); c.1313T>A, p.Phe438Tyr (NM_080601.3); short protein forms F437Y, F438Y, F442Y.
Identifiers: ClinVar variation 5027634 (VCV005027634.1).